The following is an entry in ClinVar:

ClinVar aggregate classification (germline): Uncertain significance (1 of 4 stars; one submission).

Conditions:
Familial thoracic aortic aneurysm and aortic dissection (TAAD). Also called: Thoracic aortic aneurysms and dissections. Identifiers: Orphanet 91387, MedGen C4707243, MONDO:0019625.

gnomAD v4.1: 1 of 1,613,960 alleles (0.000062%); no homozygotes.

Submission:

All of Us Research Program, National Institutes of Health
Classification: Uncertain significance for Familial thoracic aortic aneurysm and aortic dissection. Last evaluated: 2023-08-23. Review status: criteria provided, single submitter. Criteria: ACMG Guidelines, 2015. Collection method: clinical testing. Allele origin: germline. Inheritance: Autosomal dominant inheritance. Observed: 1 variant allele, 1 heterozygote.
Comment: This missense variant replaces glutamic acid with lysine at codon 348 of the MYH11 protein. Computational prediction is inconclusive regarding the impact of this variant on protein structure and function (internally defined REVEL score threshold 0.5 < inconclusive < 0.7, PMID: 27666373). To our knowledge, functional studies have not been reported for this variant. This variant has not been reported in individuals affected with MYH11-related disorders in the literature. This variant has not been identified in the general population by the Genome Aggregation Database (gnomAD). The available evidence is insufficient to determine the role of this variant in disease conclusively. Therefore, this variant is classified as a Variant of Uncertain Significance.

This study involves interpretation of variants in research participants for the purpose of population health screening. Participant phenotype was not available at the time of variant classification. Additional details can be found in publication PMID: 35346344, PMCID: PMC8962531

NM_002474.3(MYH11):c.1021G>A (p.Glu341Lys)

Gene: MYH11 (myosin heavy chain 11; minus strand). Cytogenetic location: 16p13.11.
Variant type: single nucleotide variant.
Coding change: c.1021G>A on transcript NM_002474.3 (MANE Select); coding-DNA position 1021, G replaced by A.
Protein change: p.Glu341Lys; replaces glutamic acid 341 with lysine.
Molecular consequence: missense variant.
Genome position (GRCh38, 1-based): chr16:15,771,581, C>T on the plus strand (G>A on the coding strand, the complement: MYH11 is on the minus strand). VCF-style: chr16-15771581-C-T. GRCh37 (hg19) VCF-style: chr16-15865438-C-T.
Other names: c.1042G>A, p.Glu348Lys (NM_001040113.2, NM_001040114.2); c.1021G>A, p.Glu341Lys (NM_022844.3); short protein forms E341K, E348K.
Identifiers: ClinVar variation 3073079 (VCV003073079.1), dbSNP rs2506503212, ClinGen allele CA394867535.
Genomic context (GRCh38, chr16:15,771,581, plus strand): 5'-ACTGGTATCCAGGCAAGCTACCCTCCAGACTCAAGGTGTGAGGCTTACATAGCTGCTCCT[C>T]CTCGCTGAAACCCATGATTGCCATGGCCTCCACGGTTTCCTGGAACATCTCATCATCCTG-3'
Protein context (NP_002465.1, residues 331-351): EAMAIMGFSE[Glu341Lys]EQLSILKVVS